The following is an entry in ClinVar:

NM_015386.3(COG4):c.1141A>G (p.Ile381Val)

Gene: COG4 (component of oligomeric golgi complex 4; minus strand). Cytogenetic location: 16q22.1.
Variant type: single nucleotide variant.
Coding change: c.1141A>G on transcript NM_015386.3 (MANE Select); coding-DNA position 1141, A replaced by G.
Protein change: p.Ile381Val; replaces isoleucine 381 with valine.
Molecular consequence: missense variant. On other transcripts: non-coding transcript variant (1).
Genome position (GRCh38, 1-based): chr16:70,501,012, T>C on the plus strand (A>G on the coding strand, the complement: COG4 is on the minus strand). VCF-style: chr16-70501012-T-C. GRCh37 (hg19) VCF-style: chr16-70534915-T-C.
Other names: c.1129A>G, p.Ile377Val (NM_001195139.2); c.715A>G, p.Ile239Val (NM_001365426.1); short protein forms I239V, I377V, I381V.
Identifiers: ClinVar variation 664961 (VCV000664961.8), dbSNP rs769825493, ClinGen allele CA8144427.

ClinVar aggregate classification (germline): Uncertain significance (1 of 4 stars; one submission).

Conditions:
COG4-congenital disorder of glycosylation. Also called: CONGENITAL DISORDER OF GLYCOSYLATION, TYPE IIj; CDG IIj; COG4-CDG. Identifiers: Orphanet 263501, MedGen C4303552, MONDO:0013281, OMIM 613489.

Allele frequency attached by ClinVar (database versions not stated): ExAC 0.00001; gnomAD 0.00001; gnomAD exomes 0.00001.

Submission:

Labcorp Genetics (formerly Invitae), Labcorp
Classification: Uncertain significance for COG4-congenital disorder of glycosylation. Last evaluated: 2018-08-17. Review status: criteria provided, single submitter. Criteria: Invitae Variant Classification Sherloc (09022015). Collection method: clinical testing. Allele origin: germline.
Comment: In summary, the available evidence is currently insufficient to determine the role of this variant in disease. Therefore, it has been classified as a Variant of Uncertain Significance. Algorithms developed to predict the effect of sequence changes on RNA splicing suggest that this variant may create or strengthen a splice site, but this prediction has not been confirmed by published transcriptional studies. Algorithms developed to predict the effect of missense changes on protein structure and function output the following: SIFT: "Tolerated"; PolyPhen-2: "Benign"; Align-GVGD: "Class C0". The valine amino acid residue is found in multiple mammalian species, suggesting that this missense change does not adversely affect protein function. These predictions have not been confirmed by published functional studies and their clinical significance is uncertain. This variant has not been reported in the literature in individuals with COG4-related disease. This variant is present in population databases (rs769825493, ExAC 0.001%). This sequence change replaces isoleucine with valine at codon 381 of the COG4 protein (p.Ile381Val). The isoleucine residue is moderately conserved and there is a small physicochemical difference between isoleucine and valine.